The following is an entry in ClinVar:

NM_033026.6(PCLO):c.1285T>A (p.Ser429Thr)

Gene: PCLO (piccolo presynaptic cytomatrix protein; minus strand). Cytogenetic location: 7q21.11.
Variant type: single nucleotide variant.
Coding change: c.1285T>A on transcript NM_033026.6 (MANE Select); coding-DNA position 1285, T replaced by A.
Protein change: p.Ser429Thr; replaces serine 429 with threonine.
Molecular consequence: missense variant.
Genome position (GRCh38, 1-based): chr7:83,155,356, A>T on the plus strand (T>A on the coding strand, the complement: PCLO is on the minus strand). VCF-style: chr7-83155356-A-T. GRCh37 (hg19) VCF-style: chr7-82784672-A-T.
Other names: c.1285T>A, p.Ser429Thr (NM_014510.3); short protein forms S429T.
Identifiers: ClinVar variation 1448312 (VCV001448312.4), dbSNP rs374628811, ClinGen allele CA4321487.
Genomic context (GRCh38, chr7:83,155,356, plus strand): 5'-TCTTTCCTGGCCCAGGCTGCTGAACTGGAGTCTTTGTAGGCCCAGGTGCCTTAGCTGGAG[A>T]CTGTAGCCCAGGTTGTTGAGCTAGGGGTTTTGGTGTCCCCACCTGCTGGGTTGGAGGCTT-3'
Protein context (NP_149015.2, residues 419-439): KPLAQQPGLQ[Ser429Thr]PAKAPGPTKT

ClinVar aggregate classification (germline): Uncertain significance. Review status: criteria provided, multiple submitters, no conflicts (2 of 4 stars). 2 submissions from 2 submitters: Uncertain significance (2). Last evaluated 2024-04-17.

Allele frequency attached by ClinVar (database versions not stated): gnomAD 0.00001; ExAC 0.00003; gnomAD exomes 0.00004 and 0.00017; ESP Exome Variant Server 0.00008.
gnomAD v4.1: 241 of 1,610,902 alleles (0.015%); highest among the groups gnomAD compares: Non-Finnish European, 0.02%; no homozygotes.

Submissions (2):

Women's Health and Genetics/Laboratory Corporation of America, LabCorp
Classification: Uncertain significance. Last evaluated: 2024-04-17. Review status: criteria provided, single submitter. Criteria: LabCorp Variant Classification Summary - May 2015. Collection method: clinical testing. Allele origin: germline.
Comment: Variant summary: PCLO c.1285T>A (p.Ser429Thr) results in a conservative amino acid change in the encoded protein sequence. Five of five in-silico tools predict a benign effect of the variant on protein function. The variant allele was found at a frequency of 4e-05 in 249126 control chromosomes (gnomAD v2.1). To our knowledge, no occurrence of c.1285T>A in individuals affected with Pontocerebellar Hypoplasia Type 3 and no experimental evidence demonstrating its impact on protein function have been reported. ClinVar contains an entry for this variant (Variation ID: 1448312). Based on the evidence outlined above, the variant was classified as uncertain significance.

Labcorp Genetics (formerly Invitae), Labcorp
Classification: Uncertain significance. Last evaluated: 2022-09-01. Review status: criteria provided, single submitter. Criteria: Invitae Variant Classification Sherloc (09022015). Collection method: clinical testing. Allele origin: germline.
Comment: This sequence change replaces serine, which is neutral and polar, with threonine, which is neutral and polar, at codon 429 of the PCLO protein (p.Ser429Thr). This variant is present in population databases (rs374628811, gnomAD 0.009%). This variant has not been reported in the literature in individuals affected with PCLO-related conditions. ClinVar contains an entry for this variant (Variation ID: 1448312). Algorithms developed to predict the effect of missense changes on protein structure and function output the following: SIFT: "Tolerated"; PolyPhen-2: "Benign"; Align-GVGD: "Class C0". The threonine amino acid residue is found in multiple mammalian species, which suggests that this missense change does not adversely affect protein function. In summary, the available evidence is currently insufficient to determine the role of this variant in disease. Therefore, it has been classified as a Variant of Uncertain Significance.